The following is an entry in ClinVar:

NM_006922.4(SCN3A):c.2254C>T (p.Leu752Phe)

Gene: SCN3A (sodium voltage-gated channel alpha subunit 3; minus strand). Cytogenetic location: 2q24.3.
Variant type: single nucleotide variant.
Coding change: c.2254C>T on transcript NM_006922.4 (MANE Select); coding-DNA position 2254, C replaced by T.
Protein change: p.Leu752Phe; replaces leucine 752 with phenylalanine.
Molecular consequence: missense variant.
Genome position (GRCh38, 1-based): chr2:165,138,016, G>A on the plus strand (C>T on the coding strand, the complement: SCN3A is on the minus strand). VCF-style: chr2-165138016-G-A. GRCh37 (hg19) VCF-style: chr2-165994526-G-A.
Other names: c.2107C>T, p.Leu703Phe (NM_001081676.2, NM_001081677.2); short protein forms L752F, L703F.
Identifiers: ClinVar variation 5008895 (VCV005008895.1).
Genomic context (GRCh38, chr2:165,138,016, plus strand): 5'-AGACAATGCAAATAGTGATGGCAAGATCAACAAATGGATCCATAACAATTAAATTCACAA[G>A]ATGTTTTACTTTTAACCATGCATCACAGCAGTCCCAGATCAAGAACACATTGGCAAATCT-3'
Protein context (NP_008853.3, residues 742-762): CCDAWLKVKH[Leu752Phe]VNLIVMDPFV

ClinVar aggregate classification (germline): Uncertain significance (1 of 4 stars; one submission).

Submission:

GeneDx
Classification: Uncertain significance. Last evaluated: 2026-03-11. Review status: criteria provided, single submitter. Criteria: GeneDx Variant Classification Process June 2021. Collection method: clinical testing. Allele origin: germline.
Comment: Not observed at significant frequency in large population cohorts (gnomAD); In silico analysis suggests that this missense variant does not alter protein structure/function; Has not been previously published as pathogenic or benign to our knowledge